The following is an entry in ClinVar:

ClinVar aggregate classification (germline): Benign. Review status: criteria provided, multiple submitters, no conflicts (2 of 4 stars). 6 submissions from 6 submitters: Benign (6). Last evaluated 2026-02-02.

Conditions:
Neuroblastoma (NB). Identifiers: Orphanet 635, MedGen C0027819, MeSH D009447, MONDO:0005072, HP:0003006.
Charcot-Marie-Tooth disease. Also called: Charcot-Marie-Tooth Neuropathy; Charcot-Marie-Tooth Hereditary Neuropathy. Identifiers: Orphanet 166, MedGen C0007959, MONDO:0015626.
Charcot-Marie-Tooth disease type 2. Also called: Charcot-Marie-Tooth type 2. Identifiers: Orphanet 64746, MedGen C0270914, MONDO:0018993.

Allele frequency attached by ClinVar (database versions not stated): gnomAD exomes 0.00097 and 0.00267; ExAC 0.00331; gnomAD 0.01068 and 0.00995; TOPMed 0.01116; 1000 Genomes Project 0.00819; 1000 Genomes Project 30x 0.00843; ESP Exome Variant Server 0.01115.
gnomAD v4.1: 3,018 of 1,614,002 alleles (0.19%); highest among the groups gnomAD compares: African/African-American, 3.4%; 45 homozygotes.

Submissions (6):

Labcorp Genetics (formerly Invitae), Labcorp
Classification: Benign for Charcot-Marie-Tooth disease type 2. Last evaluated: 2026-02-02. Review status: criteria provided, single submitter. Criteria: Invitae Variant Classification Sherloc (09022015). Collection method: clinical testing. Allele origin: germline.

ARUP Laboratories, Molecular Genetics and Genomics, ARUP Laboratories
Classification: Benign. Last evaluated: 2023-12-20. Review status: criteria provided, single submitter. Criteria: ARUP Molecular Germline Variant Investigation Process 2024. Collection method: clinical testing. Allele origin: germline.

Ambry Genetics
Classification: Benign. Last evaluated: 2020-07-28. Review status: criteria provided, single submitter. Criteria: Ambry Variant Classification Scheme 2023. Collection method: clinical testing. Allele origin: germline.

Illumina Laboratory Services, Illumina
Classification: Benign for Neuroblastoma. Last evaluated: 2018-01-12. Review status: criteria provided, single submitter. Criteria: ICSL Variant Classification Criteria 13 December 2019. Collection method: clinical testing. Allele origin: germline.
Comment: This variant was observed in the ICSL laboratory as part of a predisposition screen in an ostensibly healthy population. It had not been previously curated by ICSL or reported in the Human Gene Mutation Database (HGMD: prior to June 1st, 2018), and was therefore a candidate for classification through an automated scoring system. Utilizing variant allele frequency, disease prevalence and penetrance estimates, and inheritance mode, an automated score was calculated to assess if this variant is too frequent to cause the disease. Based on the score and internal cut-off values, a variant classified as benign is not then subjected to further curation. The score for this variant resulted in a classification of benign for this disease.

Breakthrough Genomics
Classification: Benign. Review status: criteria provided, single submitter. Criteria: ACMG Guidelines, 2015. Collection method: not provided. Allele origin: germline. Inheritance: Autosomal dominant inheritance. Affected: yes.

Molecular Genetics Laboratory, London Health Sciences Centre
Classification: Benign for Charcot-Marie-Tooth disease. Review status: criteria provided, single submitter. Criteria: ACMG Guidelines, 2015. Collection method: clinical testing. Allele origin: germline. Affected: yes.

NM_001365951.3(KIF1B):c.4086T>C (p.Asp1362=)

Gene: KIF1B (kinesin family member 1B; plus strand). Cytogenetic location: 1p36.22.
Variant type: single nucleotide variant.
Coding change: c.4086T>C on transcript NM_001365951.3 (MANE Select); coding-DNA position 4086, T replaced by C.
Protein change: p.Asp1362=; no amino-acid change (aspartic acid 1362 retained).
Molecular consequence: synonymous variant.
Genome position (GRCh38, 1-based): chr1:10,360,959, T>C. VCF-style: chr1-10360959-T-C. GRCh37 (hg19) VCF-style: chr1-10421017-T-C.
Other names: c.4086T>C, p.Asp1362= (NM_001365952.1); c.3948T>C, p.Asp1316= (NM_015074.3).
Identifiers: ClinVar variation 291577 (VCV000291577.29), dbSNP rs116089798, ClinGen allele CA581985.